The following is an entry in ClinVar:

NM_005633.4(SOS1):c.2372T>G (p.Leu791Arg)

Gene: SOS1 (SOS Ras/Rac guanine nucleotide exchange factor 1; minus strand). Cytogenetic location: 2p22.1.
Variant type: single nucleotide variant.
Coding change: c.2372T>G on transcript NM_005633.4 (MANE Select); coding-DNA position 2372, T replaced by G.
Protein change: p.Leu791Arg; replaces leucine 791 with arginine.
Molecular consequence: missense variant.
Genome position (GRCh38, 1-based): chr2:39,012,144, A>C on the plus strand (T>G on the coding strand, the complement: SOS1 is on the minus strand). VCF-style: chr2-39012144-A-C. GRCh37 (hg19) VCF-style: chr2-39239285-A-C.
Other names: c.2351T>G, p.Leu784Arg (NM_001382394.1); c.2372T>G, p.Leu791Arg (NM_001382395.1); short protein forms L784R, L791R.
Identifiers: ClinVar variation 4773427 (VCV004773427.1).

ClinVar aggregate classification (germline): Uncertain significance (1 of 4 stars; one submission).

Conditions:
RASopathy. Also called: rasopathies; Noonan spectrum disorder. Identifiers: Orphanet 536391, MedGen C5555857, MONDO:0021060.

Submission:

Labcorp Genetics (formerly Invitae), Labcorp
Classification: Uncertain significance for RASopathy. Last evaluated: 2025-11-03. Review status: criteria provided, single submitter. Criteria: Invitae Variant Classification Sherloc (09022015). Collection method: clinical testing. Allele origin: germline.
Comment: This sequence change replaces leucine, which is neutral and non-polar, with arginine, which is basic and polar, at codon 791 of the SOS1 protein (p.Leu791Arg). This variant is not present in population databases (gnomAD no frequency). This variant has not been reported in the literature in individuals affected with SOS1-related conditions. Invitae Evidence Modeling of protein sequence and biophysical properties (such as structural, functional, and spatial information, amino acid conservation, physicochemical variation, residue mobility, and thermodynamic stability) has been performed for this missense variant. However, the output from this modeling did not meet the statistical confidence thresholds required to predict the impact of this variant on SOS1 protein function. In summary, the available evidence is currently insufficient to determine the role of this variant in disease. Therefore, it has been classified as a Variant of Uncertain Significance.